The following is an entry in ClinVar:

ClinVar aggregate classification (germline): Conflicting classifications of pathogenicity. Review status: criteria provided, conflicting classifications (1 of 4 stars). 3 submissions from 3 submitters: Uncertain significance (2); Likely benign (1). Last evaluated 2024-06-17.

Conditions:
Hereditary cancer-predisposing syndrome. Also called: Hereditary Cancer Syndrome; Neoplastic Syndromes, Hereditary; Tumor predisposition; Hereditary neoplastic syndrome. Identifiers: Orphanet 140162, MedGen C0027672, MeSH D009386, MONDO:0015356.
Ataxia-telangiectasia syndrome (AT). Also called: Cerebello-oculocutaneous telangiectasia; Immunodeficiency with ataxia telangiectasia; Ataxia-telangiectasia, complementation group E; Ataxia-telangiectasia, complementation group D; AT, COMPLEMENTATION GROUP C; ATAXIA-TELANGIECTASIA, COMPLEMENTATION GROUP A. Identifiers: Orphanet 100, MedGen C0004135, MONDO:0008840, OMIM 208900.

Allele frequency attached by ClinVar (database versions not stated): gnomAD 0.00001; gnomAD exomes below 0.00001.
gnomAD v4.1: 2 of 1,607,724 alleles (0.00012%); highest among the groups gnomAD compares: Non-Finnish European, 0.00017%; no homozygotes.

Submissions (3):

Ambry Genetics
Classification: Likely benign for Hereditary cancer-predisposing syndrome. Last evaluated: 2024-06-17. Review status: criteria provided, single submitter. Criteria: Ambry Variant Classification Scheme 2023. Collection method: clinical testing. Allele origin: germline.

Sema4
Classification: Uncertain significance for Hereditary cancer-predisposing syndrome. Last evaluated: 2021-08-06. Review status: criteria provided, single submitter. Criteria: Sema4 Curation Guidelines. Collection method: curation. Allele origin: germline.
Comment: The ATM c.6337A>G (p.T2113A) variant has not been reported in the literature to our knowledge. It was not observed in the large and broad cohorts of the Genome Aggregation Database but has been reported in ClinVar (Variation ID 524276). In silico tools suggest the impact of the variant on protein function is benign, though these predictions have not been confirmed by functional studies. The evidence is insufficient to meet ACMG/AMP criteria for classifying the variant as benign or pathogenic. Thus, the clinical significance of this variant is currently uncertain.

Labcorp Genetics (formerly Invitae), Labcorp
Classification: Uncertain significance for Ataxia-telangiectasia syndrome. Last evaluated: 2017-09-16. Review status: criteria provided, single submitter. Criteria: Invitae Variant Classification Sherloc (09022015). Collection method: clinical testing. Allele origin: germline.
Comment: This sequence change replaces threonine with alanine at codon 2113 of the ATM protein (p.Thr2113Ala). The threonine residue is weakly conserved and there is a small physicochemical difference between threonine and alanine. In summary, the available evidence is currently insufficient to determine the role of this variant in disease. Therefore, it has been classified as a Variant of Uncertain Significance. Algorithms developed to predict the effect of missense changes on protein structure and function (SIFT, PolyPhen-2, Align-GVGD) all suggest that this variant is likely to be tolerated, but these predictions have not been confirmed by published functional studies and their clinical significance is uncertain. This variant has not been reported in the literature in individuals with ATM-related disease. This variant is not present in population databases (ExAC no frequency).

NM_000051.4(ATM):c.6337A>G (p.Thr2113Ala)

Genes: ATM (ATM serine/threonine kinase; plus strand), C11orf65 (chromosome 11 open reading frame 65; minus strand). Cytogenetic location: 11q22.3.
Variant type: single nucleotide variant.
Coding change: c.6337A>G on transcript NM_000051.4 (MANE Select); coding-DNA position 6337, A replaced by G.
Protein change: p.Thr2113Ala; replaces threonine 2113 with alanine.
Molecular consequence: missense variant. On other transcripts: intron variant (2).
Genome position (GRCh38, 1-based): chr11:108,317,511, A>G. VCF-style: chr11-108317511-A-G. GRCh37 (hg19) VCF-style: chr11-108188238-A-G.
Other names: c.6337A>G, p.Thr2113Ala (NM_001351834.2); c.641-8440T>C (NM_001330368.2); c.*39-8440T>C (NM_001351110.2); short protein forms T2113A.
Identifiers: ClinVar variation 524276 (VCV000524276.12), dbSNP rs1555114835, ClinGen allele CA382552306.